The following is an entry in ClinVar:

ClinVar aggregate classification (germline): Pathogenic (1 of 4 stars; one submission).

Conditions:
Bethlem myopathy 1A. Also called: Bethlem myopathy 1; MYOPATHY, BENIGN CONGENITAL, WITH CONTRACTURES; Bethlem Muscular Dystrophy. Identifiers: Orphanet 610, MedGen CN029274, MONDO:0024530, OMIM 158810.

Submission:

Labcorp Genetics (formerly Invitae), Labcorp
Classification: Pathogenic for Bethlem myopathy 1A. Last evaluated: 2022-01-12. Review status: criteria provided, single submitter. Criteria: Invitae Variant Classification Sherloc (09022015). Collection method: clinical testing. Allele origin: germline.
Comment: For these reasons, this variant has been classified as Pathogenic. This variant disrupts the triple helix domain of COL6A1. Glycine residues within the Gly-Xaa-Yaa repeats of the triple helix domain are required for the structure and stability of fibrillar collagens (PMID: 7695699, 8218237, 19344236). In COL6A1, variants at these glycine residues are significantly enriched in individuals with autosomal dominant disease (PMID: 15689448, 24038877) compared to the general population (ExAC). This variant has not been observed in the literature in individuals with autosomal recessive COL6A1-related conditions. This variant has been reported in individual(s) with autosomal dominant Ullrich congenital muscular dystrophy (Invitae); however, the role of the variant in this condition is currently unclear. This variant is a gross deletion of the genomic region encompassing exon(s) 9 of the COL6A1 gene. This variant would be expected to be in-frame, preserving the integrity of the reading frame.

Literature cited by the submitters: PubMed 7695699; PubMed 8218237; PubMed 19344236; PubMed 15689448; PubMed 24038877.

NC_000021.9:g.(?_45989064)_(45989157_?)del

Gene: COL6A1 (collagen type VI alpha 1 chain; plus strand). Cytogenetic location: 21q22.3.
Variant type: Deletion.
Identifiers: ClinVar variation 584291 (VCV000584291.10).